The following is an entry in ClinVar:

NM_020699.4(GATAD2B):c.1217-5T>C

Gene: GATAD2B (GATA zinc finger domain containing 2B; minus strand). Cytogenetic location: 1q21.3.
Variant type: single nucleotide variant.
Coding change: c.1217-5T>C on transcript NM_020699.4 (MANE Select); 5 bases into the intron before coding-DNA position 1217, T replaced by C.
Molecular consequence: intron variant.
Genome position (GRCh38, 1-based): chr1:153,813,457, A>G on the plus strand (T>C on the coding strand, the complement: GATAD2B is on the minus strand). VCF-style: chr1-153813457-A-G. GRCh37 (hg19) VCF-style: chr1-153785933-A-G.
Identifiers: ClinVar variation 2443430 (VCV002443430.1), dbSNP rs2525238677, ClinGen allele CA2580061084.
Genomic context (GRCh38, chr1:153,813,457, plus strand): 5'-GCGGCACTGGGCACATACAAAGGGTTCAACCCGCAGAAGTGAGGCACAGCTTTTGCCTAG[A>G]TACCAACAAAAATAGTCAGTGGCTTTACATTTCCTATCTCCTCTGTTTCTCTTAATCAAA-3'

ClinVar aggregate classification (germline): Uncertain significance (1 of 4 stars; one submission).

Allele frequency attached by ClinVar (database versions not stated): gnomAD exomes below 0.00001.
gnomAD v4.1: 1 of 1,606,648 alleles (0.000062%); highest among the groups gnomAD compares: African/African-American, 0.0013%; no homozygotes.

Submission:

GeneDx
Classification: Uncertain significance. Last evaluated: 2022-09-08. Review status: criteria provided, single submitter. Criteria: GeneDx Variant Classification Process June 2021. Collection method: clinical testing. Allele origin: germline. Affected: yes.
Comment: Not observed at significant frequency in large population cohorts (gnomAD); In silico analysis supports that this variant does not alter splicing; Has not been previously published as pathogenic or benign to our knowledge